The following is an entry in ClinVar:

ClinVar aggregate classification (germline): Pathogenic. Review status: criteria provided, multiple submitters, no conflicts (2 of 4 stars). 11 submissions from 11 submitters: Pathogenic (10). 1 of the submissions does not count toward it. Last evaluated 2026-03-31.

Conditions:
CFTR-related disorder (CFTR-RD). Also called: CFTR-related disorders; CFTR-related condition. Identifiers: MedGen C5924204, MONDO:7770004.
Cystic fibrosis (CF). Also called: MUCOVISCIDOSIS. Identifiers: Orphanet 586, MedGen C0010674, MONDO:0009061, OMIM 219700. Disease mechanism: loss of function.

Submissions (11):

Ambry Genetics
Classification: Pathogenic for Cystic fibrosis. Last evaluated: 2026-03-31. Review status: criteria provided, single submitter. Criteria: Ambry Variant Classification Scheme 2023. Collection method: clinical testing. Allele origin: germline.
Comment: The c.50dupT pathogenic mutation, located in coding exon 1 of the CFTR gene, results from a duplication of T at nucleotide position 50, causing a translational frameshift with a predicted alternate stop codon (p.S18Qfs*27). This alteration is expected to result in loss of function by premature protein truncation or nonsense-mediated mRNA decay. As such, this alteration is interpreted as a disease-causing mutation.

Natera, Inc.
Classification: Pathogenic for CFTR-related disorders. Last evaluated: 2025-12-19. Review status: criteria provided, single submitter. Criteria: Natera Variant Classification Schema (03/2026). Collection method: clinical testing. Allele origin: germline.
Comment: The c.50dupT variant in CFTR is a frameshift variant predicted to shift the reading frame beginning at codon 18 and leads to a stop codon 27 codons downstream. This variant is expected to result in nonsense mediated decay, truncation, or a dysfunctional protein product. This variant is rare in the general population with a frequency below the threshold expected for the associated phenotype(s). This variant has been observed in one or more individuals affected with the associated recessive disease, as either homozygous or compound heterozygous with a second variant (PMID: 27728908). Given the available evidence, this variant is classified as Pathogenic.

Center for Genomic Medicine, Rigshospitalet, Copenhagen University Hospital
Classification: Pathogenic. Last evaluated: 2025-03-04. Review status: criteria provided, single submitter. Criteria: ACMG Guidelines, 2015. Collection method: clinical testing. Allele origin: germline.

GeneDx
Classification: Pathogenic. Last evaluated: 2024-11-18. Review status: criteria provided, single submitter. Criteria: GeneDx Variant Classification Process June 2021. Collection method: clinical testing. Allele origin: germline. Affected: yes.
Comment: Frameshift variant predicted to result in protein truncation or nonsense mediated decay in a gene for which loss of function is a known mechanism of disease; Observed with a second CFTR variant in individuals with congenital absence of the vas deferens (PMID: 31709488); Not observed at significant frequency in large population cohorts (gnomAD); This variant is associated with the following publications: (PMID: 8563237, 27728908, 11108532, 31709488)

Labcorp Genetics (formerly Invitae), Labcorp
Classification: Pathogenic for Cystic fibrosis. Last evaluated: 2024-03-01. Review status: criteria provided, single submitter. Criteria: Invitae Variant Classification Sherloc (09022015). Collection method: clinical testing. Allele origin: germline.
Comment: This sequence change creates a premature translational stop signal (p.Ser18Glnfs*27) in the CFTR gene. It is expected to result in an absent or disrupted protein product. Loss-of-function variants in CFTR are known to be pathogenic (PMID: 1695717, 7691345, 9725922). The frequency data for this variant in the population databases is considered unreliable, as metrics indicate poor data quality at this position in the gnomAD database. This premature translational stop signal has been observed in individual(s) with congenital absence of the vas deferens (PMID: 31709488). It has also been observed to segregate with disease in related individuals. ClinVar contains an entry for this variant (Variation ID: 53944). For these reasons, this variant has been classified as Pathogenic.

Clinical Genetics Laboratory, Skane University Hospital Lund
Classification: Pathogenic. Last evaluated: 2022-11-09. Review status: criteria provided, single submitter. Criteria: ACMG Guidelines, 2015. Collection method: clinical testing. Allele origin: germline. Affected: yes.

Institute of Human Genetics, University of Leipzig Medical Center
Classification: Pathogenic for Cystic fibrosis. Last evaluated: 2022-09-05. Review status: criteria provided, single submitter. Criteria: ACMG Guidelines, 2015. Collection method: curation. Allele origin: unknown. Affected: yes. Observed: 1 variant allele.
Comment: The variant was classified in the context of a project re-classifying variants in the German Cystic Fibrosis Registry (Muko.e.V.). Criteria applied: PVS1, PM3_STR, PM2_SUP, PP4

Revvity Omics, Revvity
Classification: Pathogenic. Last evaluated: 2021-12-21. Review status: criteria provided, single submitter. Criteria: ACMG Guidelines, 2015. Collection method: clinical testing. Allele origin: germline.

Women's Health and Genetics/Laboratory Corporation of America, LabCorp
Classification: Pathogenic for Cystic fibrosis. Last evaluated: 2021-12-10. Review status: criteria provided, single submitter. Criteria: LabCorp Variant Classification Summary - May 2015. Collection method: clinical testing. Allele origin: germline.
Comment: Variant summary: CFTR c.50dupT (p.Ser18GlnfsX27) results in a premature termination codon, predicted to cause a truncation of the encoded protein or absence of the protein due to nonsense mediated decay, which are commonly known mechanisms for disease. Truncations upstream and downstream of this position have been reported in affected individuals (HGMD). The variant allele was found at a frequency of 4e-06 in 250742 control chromosomes (gnomAD). the variant c.50dupT (also described in the literature as c.43_44insT and 175insT) has been reported in multiple homozygous and compound heterozygous individuals affected with Cystic Fibrosis and related phenotypes (Schaedel_1995, Schaedel_1999, Prontera_2016, Ge_2019). These data indicate that the variant is very likely to be associated with disease. To our knowledge, no experimental evidence demonstrating an impact on protein function has been reported. Two other clinical diagnostic laboratories have submitted clinical-significance assessments for this variant to ClinVar after 2014, and both of them classified the variant as pathogenic. Based on the evidence outlined above, the variant was classified as pathogenic.

Johns Hopkins Genomics, Johns Hopkins University
Classification: Pathogenic for Cystic fibrosis. Last evaluated: 2020-12-08. Review status: criteria provided, single submitter. Criteria: ACMG Guidelines, 2015. Collection method: clinical testing. Allele origin: germline.
Comment: This frameshift variant results in a premature stop codon, likely leading to nonsense-mediated decay and lack of protein production. CFTR c.50dupT has been reported in the homozygous state in individuals with a clinical diagnosis of cystic fibrosis. This variant (rs397508714*) is rare (<0.1%) in a large population dataset (gnomAD: 1/250742 total alleles; 0.0004%; homozygotes) and has been reported in ClinVar. We consider this variant to be pathogenic.

ClinVar Staff, National Center for Biotechnology Information (NCBI)
No classification provided. Condition: CFTR-related disorders. Review status: no classification provided. Collection method: literature only. Allele origin: germline. Affected: yes. Not counted in ClinVar's aggregate classification.

Literature cited by the submitters: PubMed 27728908 (cited by Natera, Inc. and Women's Health and Genetics/Laboratory Corporation of America, LabCorp); PubMed 1695717 (cited by Labcorp Genetics (formerly Invitae), Labcorp); PubMed 7691345 (cited by Labcorp Genetics (formerly Invitae), Labcorp); PubMed 9725922 (cited by Labcorp Genetics (formerly Invitae), Labcorp); PubMed 31709488 (cited by Labcorp Genetics (formerly Invitae), Labcorp and Women's Health and Genetics/Laboratory Corporation of America, LabCorp); PubMed 10636451 (cited by Women's Health and Genetics/Laboratory Corporation of America, LabCorp and ClinVar Staff, National Center for Biotechnology Information (NCBI)); PubMed 8563237 (cited by Women's Health and Genetics/Laboratory Corporation of America, LabCorp and Johns Hopkins Genomics, Johns Hopkins University); PubMed 11108532 (cited by Women's Health and Genetics/Laboratory Corporation of America, LabCorp).

NM_000492.4(CFTR):c.50dup (p.Ser18fs)

Gene: CFTR (CF transmembrane conductance regulator; plus strand). Cytogenetic location: 7q31.2.
Variant type: Duplication.
Coding change: c.50dup on transcript NM_000492.4 (MANE Select); coding-DNA position 50, one base duplicated (T; older notation c.50dupT).
Protein change: p.Ser18fs; shifts the reading frame from serine 18.
Molecular consequence: frameshift variant.
Genome position (GRCh38, 1-based): chr7:117,480,144, T duplicated; the last of 7 consecutive T bases (chr7:117,480,138-117,480,144); duplicating any one gives the same sequence. VCF-style (leftmost placement, unchanged base first): chr7-117480137-C-CT. GRCh37 (hg19) VCF-style: chr7-117120191-C-CT.
Other names: 175insT; c.50dupT (NM_000492.4); c.50dup (NM_000492.3); c.43_44insT (NM_000492.3); short protein forms S18fs.
Identifiers: ClinVar variation 53944 (VCV000053944.20), dbSNP rs397508714, ClinGen allele CA327485.